The following is an entry in ClinVar:

ClinVar aggregate classification (germline): Benign. Review status: criteria provided, multiple submitters, no conflicts (2 of 4 stars). 4 submissions from 4 submitters: Benign (3). 1 of the submissions does not count toward it. Last evaluated 2026-02-02.

Conditions:
MALT1-related disorder. Also called: MALT1-related condition.
Combined immunodeficiency due to MALT1 deficiency. Also called: Immunodeficiency 12. Identifiers: Orphanet 397964, MedGen C3809583, MONDO:0014197, OMIM 615468.

Allele frequency attached by ClinVar (database versions not stated): gnomAD exomes 0.00071 and 0.00187; ExAC 0.00227; 1000 Genomes Project 30x 0.00703; gnomAD 0.00723 and 0.00785; 1000 Genomes Project 0.00759; TOPMed 0.00783; ESP Exome Variant Server 0.00807.
gnomAD v4.1: 2,183 of 1,613,576 alleles (0.14%); highest among the groups gnomAD compares: African/African-American, 2.6%; 25 homozygotes.

Submissions (5):

Labcorp Genetics (formerly Invitae), Labcorp
Classification: Benign for Combined immunodeficiency due to MALT1 deficiency. Last evaluated: 2026-02-02. Review status: criteria provided, single submitter. Criteria: Invitae Variant Classification Sherloc (09022015). Collection method: clinical testing. Allele origin: germline.

Women's Health and Genetics/Laboratory Corporation of America, LabCorp
Classification: Benign. Last evaluated: 2026-01-23. Review status: criteria provided, single submitter. Criteria: LabCorp Variant Classification Summary - May 2015. Collection method: clinical testing. Allele origin: germline.

Breakthrough Genomics
Classification: Benign. Review status: criteria provided, single submitter. Criteria: ACMG Guidelines, 2015. Collection method: not provided. Allele origin: germline. Inheritance: Autosomal recessive inheritance. Affected: yes.

PreventionGenetics, part of Exact Sciences
Classification: Benign for MALT1-related condition. Last evaluated: 2019-07-08. Review status: no assertion criteria provided. Collection method: clinical testing. Allele origin: germline. Not counted in ClinVar's aggregate classification.
Comment: This variant is classified as benign based on ACMG/AMP sequence variant interpretation guidelines (Richards et al. 2015 PMID: 25741868, with internal and published modifications).

Dr. Peter K. Rogan Lab, Western University
No classification provided (evidence only). Condition: Lung cancer. Review status: no classification provided. Collection method: in vitro. Allele origin: not applicable. Functional consequence: retained intron. Not counted in ClinVar's aggregate classification.

NM_006785.4(MALT1):c.1299A>T (p.Pro433=)

Gene: MALT1 (MALT1 paracaspase; plus strand). Cytogenetic location: 18q21.32.
Variant type: single nucleotide variant.
Coding change: c.1299A>T on transcript NM_006785.4 (MANE Select); coding-DNA position 1299, A replaced by T.
Protein change: p.Pro433=; no amino-acid change (proline 433 retained).
Molecular consequence: synonymous variant.
Genome position (GRCh38, 1-based): chr18:58,733,473, A>T. VCF-style: chr18-58733473-A-T. GRCh37 (hg19) VCF-style: chr18-56400705-A-T.
Other names: c.1266A>T, p.Pro422= (NM_173844.3); c.1299A>T, p.Pro433= (LRG_1221t1).
Identifiers: ClinVar variation 474594 (VCV000474594.17), dbSNP rs35575273, ClinGen allele CA8977874.